The following is an entry in ClinVar:

ClinVar aggregate classification (germline): Uncertain significance (1 of 4 stars; one submission).

Conditions:
Rolandic epilepsy, impaired intellectual development, and speech dyspraxia, X-linked. Also called: Rolandic epilepsy, impaired intellectual development, and speech dyspraxia; Rolandic epilepsy, intellectual disability, and speech dyspraxia, X-linked. Identifiers: MedGen C1845070, MONDO:0010388, OMIM 300643.

Submission:

Labcorp Genetics (formerly Invitae), Labcorp
Classification: Uncertain significance for Rolandic epilepsy, impaired intellectual development, and speech dyspraxia, X-linked. Last evaluated: 2016-05-30. Review status: criteria provided, single submitter. Criteria: Invitae Variant Classification Sherloc (09022015). Collection method: clinical testing. Allele origin: germline.
Comment: A gross deletion of the genomic region encompassing the full coding sequence of the SRPX2 gene has been identified. The boundaries of this event are unknown as the deletion extends beyond the assayed region for this gene and therefore may encompass additional genes. Isolated gross deletions of the SRPX2 gene alone have not been previously reported in the literature. However, deletions encompassing the SRPX2 gene and adjacent genes has been reported in individuals affected with epilepsy and intellectual disability (PMID: 23712037, 21053371, 22091964). The current clinical and genetic evidence is not sufficient to establish whether loss-of-function variants in SRPX2 cause disease. Therefore, this variant has been classified as a Variant of Uncertain Significance.

NC_000023.11:g.(?_100644166)_(100671299_?)del

Genes: SRPX2 (sushi repeat containing protein X-linked 2; plus strand), LOC125467769 (Sharpr-MPRA regulatory region 14263; plus strand), LOC121627976 (Sharpr-MPRA regulatory region 6756; plus strand). Cytogenetic location: Xq22.1.
Variant type: Deletion.
Identifiers: ClinVar variation 417465 (VCV000417465.1).